The following is an entry in ClinVar:

ClinVar aggregate classification (germline): Uncertain significance. Review status: criteria provided, multiple submitters, no conflicts (2 of 4 stars). 2 submissions from 2 submitters: Uncertain significance (2). Last evaluated 2025-11-26.

Allele frequency attached by ClinVar (database versions not stated): ExAC 0.00001; TOPMed 0.00003; gnomAD 0.00002.
gnomAD v4.1: 60 of 1,613,990 alleles (0.0037%); highest among the groups gnomAD compares: Middle Eastern, 0.016%; no homozygotes.

Submissions (2):

Ambry Genetics
Classification: Uncertain significance. Last evaluated: 2025-11-26. Review status: criteria provided, single submitter. Criteria: Ambry Variant Classification Scheme 2023. Collection method: clinical testing. Allele origin: germline.

Labcorp Genetics (formerly Invitae), Labcorp
Classification: Uncertain significance. Last evaluated: 2022-08-03. Review status: criteria provided, single submitter. Criteria: Invitae Variant Classification Sherloc (09022015). Collection method: clinical testing. Allele origin: germline.
Comment: This sequence change replaces tyrosine, which is neutral and polar, with cysteine, which is neutral and slightly polar, at codon 58 of the HMOX1 protein (p.Tyr58Cys). This variant is present in population databases (rs775004553, gnomAD 0.003%). This variant has not been reported in the literature in individuals affected with HMOX1-related conditions. Algorithms developed to predict the effect of missense changes on protein structure and function are either unavailable or do not agree on the potential impact of this missense change (SIFT: "Deleterious"; PolyPhen-2: "Probably Damaging"; Align-GVGD: "Class C15"). In summary, the available evidence is currently insufficient to determine the role of this variant in disease. Therefore, it has been classified as a Variant of Uncertain Significance.

NM_002133.3(HMOX1):c.173A>G (p.Tyr58Cys)

Gene: HMOX1 (heme oxygenase 1; plus strand). Cytogenetic location: 22q12.3.
Variant type: single nucleotide variant.
Coding change: c.173A>G on transcript NM_002133.3 (MANE Select); coding-DNA position 173, A replaced by G.
Protein change: p.Tyr58Cys; replaces tyrosine 58 with cysteine.
Molecular consequence: missense variant.
Genome position (GRCh38, 1-based): chr22:35,386,713, A>G. VCF-style: chr22-35386713-A-G. GRCh37 (hg19) VCF-style: chr22-35782706-A-G.
Other names: c.173A>G (NM_002133.2); short protein forms Y58C.
Identifiers: ClinVar variation 2417748 (VCV002417748.6), dbSNP rs775004553, ClinGen allele CA10204649.